The following is an entry in ClinVar:

NM_003128.3(SPTBN1):c.4850C>T (p.Ser1617Leu)

Gene: SPTBN1 (spectrin beta, non-erythrocytic 1; plus strand). Cytogenetic location: 2p16.2.
Variant type: single nucleotide variant.
Coding change: c.4850C>T on transcript NM_003128.3 (MANE Select); coding-DNA position 4850, C replaced by T.
Protein change: p.Ser1617Leu; replaces serine 1617 with leucine.
Molecular consequence: missense variant.
Genome position (GRCh38, 1-based): chr2:54,646,459, C>T. VCF-style: chr2-54646459-C-T. GRCh37 (hg19) VCF-style: chr2-54873596-C-T.
Other names: c.4811C>T, p.Ser1604Leu (NM_178313.3); short protein forms S1604L, S1617L.
Identifiers: ClinVar variation 3242157 (VCV003242157.1), dbSNP rs776779399.
Genomic context (GRCh38, chr2:54,646,459, plus strand): 5'-ACTACTTTGACGCTGCTGAGGCCGAAGCCTGGATGAGCGAGCAGGAGCTGTACATGATGT[C>T]AGAGGAGAAGGCCAAGGTGAGAGGAGGCGGGAAGCATCCCTGTCCCAGGAGAGCCTCAGA-3'
Protein context (NP_003119.2, residues 1607-1627): WMSEQELYMM[Ser1617Leu]EEKAKDEQSA

ClinVar aggregate classification (germline): Uncertain significance (1 of 4 stars; one submission).

Conditions:
Developmental delay, impaired speech, and behavioral abnormalities. Identifiers: MedGen C5561957, MONDO:0859178, OMIM 619475.

Allele frequency attached by ClinVar (database versions not stated): ExAC 0.00002.

Submission:

Neuberg Centre For Genomic Medicine, NCGM
Classification: Uncertain significance for Developmental delay, impaired speech, and behavioral abnormalities. Review status: criteria provided, single submitter. Criteria: ACMG Guidelines, 2015. Collection method: clinical testing. Allele origin: germline. Inheritance: Autosomal dominant inheritance. Affected: yes.
Comment: The observed missense variant c.4850C>T(p.Ser1617Leu) in the SPTBN1gene has not been reported previously as a pathogenic variant nor as a benign variant, to our knowledge. This variant is reported with the allele frequency 0.001% in the gnomAD Exomes. The amino acid Serine at position 1617 is changed to a Leucine changing protein sequence and it might alter its composition and physico-chemical properties. Multiple lines of computational evidence (Polyphen - Damaging, SIFT - Damaging and MutationTaster - Disease causing) predict a damaging effect on protein structure and function for this variant. The residue is conserved by GERP++ and PhyloP across 100 vertebrates. For these reasons, this variant has been classified as Uncertain Significance.